The following is an entry in ClinVar:

NM_001348800.3(ZBTB20):c.849A>C (p.Glu283Asp)

Gene: ZBTB20 (zinc finger and BTB domain containing 20; minus strand). Cytogenetic location: 3q13.31.
Variant type: single nucleotide variant.
Coding change: c.849A>C on transcript NM_001348800.3 (MANE Select); coding-DNA position 849, A replaced by C.
Protein change: p.Glu283Asp; replaces glutamic acid 283 with aspartic acid.
Molecular consequence: missense variant.
Genome position (GRCh38, 1-based): chr3:114,351,229, T>G on the plus strand (A>C on the coding strand, the complement: ZBTB20 is on the minus strand). VCF-style: chr3-114351229-T-G. GRCh37 (hg19) VCF-style: chr3-114070076-T-G.
Other names: c.849A>C, p.Glu283Asp (NM_001164342.2, NM_001348803.3, NM_001393393.1 and 1 more transcripts); c.630A>C, p.Glu210Asp (NM_001164343.2, NM_001164344.4, NM_001164345.4 and 9 more transcripts); short protein forms E210D, E283D.
Identifiers: ClinVar variation 1907469 (VCV001907469.5), dbSNP rs770352308, ClinGen allele CA2551375.

ClinVar aggregate classification (germline): Uncertain significance (1 of 4 stars; one submission).

Allele frequency attached by ClinVar (database versions not stated): TOPMed below 0.00001; gnomAD 0.00001; gnomAD exomes 0.00001; ExAC 0.00002.
gnomAD v4.1: 15 of 1,600,484 alleles (0.00094%); highest among the groups gnomAD compares: Middle Eastern, 0.033%; no homozygotes.

Submission:

Labcorp Genetics (formerly Invitae), Labcorp
Classification: Uncertain significance. Last evaluated: 2022-11-01. Review status: criteria provided, single submitter. Criteria: Invitae Variant Classification Sherloc (09022015). Collection method: clinical testing. Allele origin: germline.
Comment: This variant has not been reported in the literature in individuals affected with ZBTB20-related conditions. This variant is present in population databases (rs770352308, gnomAD 0.006%). This sequence change replaces glutamic acid, which is acidic and polar, with aspartic acid, which is acidic and polar, at codon 283 of the ZBTB20 protein (p.Glu283Asp). In summary, the available evidence is currently insufficient to determine the role of this variant in disease. Therefore, it has been classified as a Variant of Uncertain Significance. Advanced modeling of protein sequence and biophysical properties (such as structural, functional, and spatial information, amino acid conservation, physicochemical variation, residue mobility, and thermodynamic stability) has been performed at Invitae for this missense variant, however the output from this modeling did not meet the statistical confidence thresholds required to predict the impact of this variant on ZBTB20 protein function.